The following is an entry in ClinVar:

NM_002900.3(RBP3):c.3265A>G (p.Thr1089Ala)

Gene: RBP3 (retinol binding protein 3; plus strand). Cytogenetic location: 10q11.22.
Variant type: single nucleotide variant.
Coding change: c.3265A>G on transcript NM_002900.3 (MANE Select); coding-DNA position 3265, A replaced by G.
Protein change: p.Thr1089Ala; replaces threonine 1089 with alanine.
Molecular consequence: missense variant.
Genome position (GRCh38, 1-based): chr10:47,355,395, A>G. VCF-style: chr10-47355395-A-G. GRCh37 (hg19) VCF-style: chr10-48383967-T-C.
Other names: short protein forms T1089A.
Identifiers: ClinVar variation 1507556 (VCV001507556.8), dbSNP rs142812211, ClinGen allele CA5487084.

ClinVar aggregate classification (germline): Uncertain significance. Review status: criteria provided, multiple submitters, no conflicts (2 of 4 stars). 2 submissions from 2 submitters: Uncertain significance (2). Last evaluated 2022-09-06.

Allele frequency attached by ClinVar (database versions not stated): gnomAD exomes below 0.00001 and 0.00002; ExAC 0.00003; gnomAD 0.00007 and 0.00008; TOPMed 0.00007; ESP Exome Variant Server 0.00015.
gnomAD v4.1: 11 of 1,613,914 alleles (0.00068%); highest among the groups gnomAD compares: African/African-American, 0.015%; no homozygotes.

Submissions (2):

Labcorp Genetics (formerly Invitae), Labcorp
Classification: Uncertain significance. Last evaluated: 2022-09-06. Review status: criteria provided, single submitter. Criteria: Invitae Variant Classification Sherloc (09022015). Collection method: clinical testing. Allele origin: germline.
Comment: In summary, the available evidence is currently insufficient to determine the role of this variant in disease. Therefore, it has been classified as a Variant of Uncertain Significance. Algorithms developed to predict the effect of missense changes on protein structure and function are either unavailable or do not agree on the potential impact of this missense change (SIFT: "Deleterious"; PolyPhen-2: "Possibly Damaging"; Align-GVGD: "Class C0"). ClinVar contains an entry for this variant (Variation ID: 1507556). This missense change has been observed in individual(s) with retinitis pigmentosa (Invitae). This variant is present in population databases (rs142812211, gnomAD 0.03%). This sequence change replaces threonine, which is neutral and polar, with alanine, which is neutral and non-polar, at codon 1089 of the RBP3 protein (p.Thr1089Ala).

Blueprint Genetics
Classification: Uncertain significance. Last evaluated: 2022-04-20. Review status: criteria provided, single submitter. Criteria: ACMG Guidelines, 2015. Collection method: clinical testing. Allele origin: germline.